The following is an entry in ClinVar:

NM_002087.4(GRN):c.530G>A (p.Arg177His)

Gene: GRN (granulin precursor; plus strand). Cytogenetic location: 17q21.31.
Variant type: single nucleotide variant.
Coding change: c.530G>A on transcript NM_002087.4 (MANE Select); coding-DNA position 530, G replaced by A.
Protein change: p.Arg177His; replaces arginine 177 with histidine.
Molecular consequence: missense variant.
Genome position (GRCh38, 1-based): chr17:44,350,509, G>A. VCF-style: chr17-44350509-G-A. GRCh37 (hg19) VCF-style: chr17-42427877-G-A.
Other names: short protein forms R177H.
Identifiers: ClinVar variation 1372270 (VCV001372270.7), dbSNP rs753441122, ClinGen allele CA8601925.
Genomic context (GRCh38, chr17:44,350,509, plus strand): 5'-GCTGTGAAGACAGGGTGCACTGCTGTCCGCACGGTGCCTTCTGCGACCTGGTTCACACCC[G>A]CTGCATCACACCCACGGGCACCCACCCCCTGGCAAAGAAGCTCCCTGCCCAGAGGACTAA-3'
Protein context (NP_002078.1, residues 167-187): HGAFCDLVHT[Arg177His]CITPTGTHPL

ClinVar aggregate classification (germline): Uncertain significance. Review status: criteria provided, multiple submitters, no conflicts (2 of 4 stars). 2 submissions from 2 submitters: Uncertain significance (2). Last evaluated 2025-03-17.

Conditions:
GRN-related frontotemporal lobar degeneration with Tdp43 inclusions (FTD2). Also called: DEMENTIA, HEREDITARY DYSPHASIC DISINHIBITION; FRONTOTEMPORAL LOBAR DEGENERATION WITH UBIQUITIN-POSITIVE INCLUSIONS; FTLD-TDP, GRN-RELATED; GRN Frontotemporal Dementia; FRONTOTEMPORAL DEMENTIA WITH TDP43 INCLUSIONS, GRN-RELATED. Identifiers: Orphanet 100070, Orphanet 282, MedGen C1843792, MONDO:0011842, OMIM 607485. Disease mechanism: loss of function.
Neuronal ceroid lipofuscinosis 11. Also called: GRN-Related Neuronal Ceroid-Lipofuscinosis. Identifiers: Orphanet 314629, Orphanet 79262, MedGen C3539123, MONDO:0013866, OMIM 614706.

Allele frequency attached by ClinVar (database versions not stated): gnomAD exomes 0.00002; ExAC 0.00004.
gnomAD v4.1: 26 of 1,613,714 alleles (0.0016%); highest among the groups gnomAD compares: East Asian, 0.0089%; no homozygotes.

Submissions (2):

Labcorp Genetics (formerly Invitae), Labcorp
Classification: Uncertain significance for Neuronal ceroid lipofuscinosis 11; GRN-related frontotemporal lobar degeneration with Tdp43 inclusions. Last evaluated: 2025-03-17. Review status: criteria provided, single submitter. Criteria: Invitae Variant Classification Sherloc (09022015). Collection method: clinical testing. Allele origin: germline.
Comment: This sequence change replaces arginine, which is basic and polar, with histidine, which is basic and polar, at codon 177 of the GRN protein (p.Arg177His). This variant is present in population databases (rs753441122, gnomAD 0.02%). This missense change has been observed in individual(s) with frontotemporal dementia (PMID: 17950702). ClinVar contains an entry for this variant (Variation ID: 1372270). Invitae Evidence Modeling of protein sequence and biophysical properties (such as structural, functional, and spatial information, amino acid conservation, physicochemical variation, residue mobility, and thermodynamic stability) indicates that this missense variant is not expected to disrupt GRN protein function with a negative predictive value of 80%. In summary, the available evidence is currently insufficient to determine the role of this variant in disease. Therefore, it has been classified as a Variant of Uncertain Significance.

Fulgent Genetics
Classification: Uncertain significance for GRN-related frontotemporal lobar degeneration with Tdp43 inclusions; Neuronal ceroid lipofuscinosis 11. Last evaluated: 2021-10-01. Review status: criteria provided, single submitter. Criteria: ACMG Guidelines, 2015. Collection method: clinical testing. Allele origin: unknown.

Literature cited by the submitters: PubMed 17950702 (cited by Labcorp Genetics (formerly Invitae), Labcorp).